The following is an entry in ClinVar:

NM_198904.4(GABRG2):c.984G>C (p.Lys328Asn)

Gene: GABRG2 (gamma-aminobutyric acid type A receptor subunit gamma2; plus strand). Cytogenetic location: 5q34.
Variant type: single nucleotide variant.
Coding change: c.984G>C on transcript NM_198904.4 (MANE Select); coding-DNA position 984, G replaced by C.
Protein change: p.Lys328Asn; replaces lysine 328 with asparagine.
Molecular consequence: missense variant. On other transcripts: intron variant (1).
Genome position (GRCh38, 1-based): chr5:162,149,169, G>C. VCF-style: chr5-162149169-G-C. GRCh37 (hg19) VCF-style: chr5-161576175-G-C.
Other names: c.984G>C, p.Lys328Asn (NM_000816.3); c.975G>C, p.Lys325Asn (NM_001375339.1); c.981G>C, p.Lys327Asn (NM_001375341.1, NM_001375342.1); c.1104G>C, p.Lys368Asn (NM_001375343.1, NM_198903.2); c.1023G>C, p.Lys341Asn (NM_001375344.1); c.918G>C, p.Lys306Asn (NM_001375345.1, NM_001375346.1); c.897G>C, p.Lys299Asn (NM_001375347.1); c.564G>C, p.Lys188Asn (NM_001375348.1, NM_001375350.1); and 2 more; short protein forms K188N, K233N, K299N, K306N, K325N, K327N, K328N, K341N.
Identifiers: ClinVar variation 1706879 (VCV001706879.2), dbSNP rs2532756306, ClinGen allele CA362182421.
Genomic context (GRCh38, chr5:162,149,169, plus strand): 5'-TATCACCACTGTCCTGACAATGACCACCCTCAGCACCATTGCCCGGAAATCGCTCCCCAA[G>C]GTCTCCTATGTCACAGCGATGGATCTCTTTGTATCTGTTTGTTTCATCTTTGTCTTCTCT-3'
Protein context (NP_944494.1, residues 318-338): LSTIARKSLP[Lys328Asn]VSYVTAMDLF

ClinVar aggregate classification (germline): Likely pathogenic (1 of 4 stars; one submission).

Submission:

GeneDx
Classification: Likely pathogenic. Last evaluated: 2022-03-23. Review status: criteria provided, single submitter. Criteria: GeneDx Variant Classification Process June 2021. Collection method: clinical testing. Allele origin: germline. Affected: yes.
Comment: Has not been previously published as pathogenic or benign to our knowledge; Not observed at significant frequency in large population cohorts (gnomAD); In silico analysis supports that this missense variant has a deleterious effect on protein structure/function